The following is an entry in ClinVar:

NM_000271.5(NPC1):c.818G>A (p.Trp273Ter)

Gene: NPC1 (NPC intracellular cholesterol transporter 1; minus strand). Cytogenetic location: 18q11.2.
Variant type: single nucleotide variant.
Coding change: c.818G>A on transcript NM_000271.5 (MANE Select); coding-DNA position 818, G replaced by A.
Protein change: p.Trp273Ter; replaces tryptophan 273 with a stop codon.
Molecular consequence: nonsense.
Genome position (GRCh38, 1-based): chr18:23,560,294, C>T on the plus strand (G>A on the coding strand, the complement: NPC1 is on the minus strand). VCF-style: chr18-23560294-C-T. GRCh37 (hg19) VCF-style: chr18-21140258-C-T.
Other names: short protein forms W273*.
Identifiers: ClinVar variation 1677986 (VCV001677986.2), dbSNP rs2145479791, ClinGen allele CA401781067.

ClinVar aggregate classification (germline): Pathogenic/Likely pathogenic. Review status: criteria provided, multiple submitters, no conflicts (2 of 4 stars). 2 submissions from 2 submitters: Pathogenic (1); Likely pathogenic (1). Last evaluated 2025-10-30.

Conditions:
Niemann-Pick disease, type C1. Also called: NEUROVISCERAL STORAGE DISEASE WITH VERTICAL SUPRANUCLEAR OPHTHALMOPLEGIA; NIEMANN-PICK DISEASE WITH CHOLESTEROL ESTERIFICATION BLOCK; NIEMANN-PICK DISEASE WITHOUT SPHINGOMYELINASE DEFICIENCY; NIEMANN-PICK DISEASE, CHRONIC NEURONOPATHIC FORM; NIEMANN-PICK DISEASE, VARIANT TYPE C1. Identifiers: Orphanet 646, MedGen C3179455, MONDO:0009757, OMIM 257220.

Submissions (2):

Myriad Genetics, Inc.
Classification: Pathogenic for Niemann-Pick disease, type C1. Last evaluated: 2025-10-30. Review status: criteria provided, single submitter. Criteria: Myriad Autosomal Dominant, Autosomal Recessive and X-Linked Classification Criteria (2023). Collection method: clinical testing. Allele origin: unknown.
Comment: NM_000271.4(NPC1):c.818G>A(W273*) is a nonsense variant classified as pathogenic in the context of Niemann-Pick disease type C1. W273* has not been observed in cases with relevant disease. Relevant functional assessments of this variant are not available in the literature. W273* has not been observed in referenced population frequency databases. In summary, NM_000271.4(NPC1):c.818G>A(W273*) is a nonsense variant in a gene where loss of function is a known mechanism of disease and is predicted to disrupt protein function. Please note: this variant was assessed in the context of healthy population screening.

AiLife Diagnostics
Classification: Likely pathogenic. Last evaluated: 2022-02-25. Review status: criteria provided, single submitter. Criteria: ACMG Guidelines, 2015. Collection method: clinical testing. Allele origin: germline. Affected: yes. Observed: 1 variant allele.